The following is an entry in ClinVar:

ClinVar aggregate classification (germline): Conflicting classifications of pathogenicity. Review status: criteria provided, conflicting classifications (1 of 4 stars). 2 submissions from 2 submitters: Likely pathogenic (1); Uncertain significance (1). Last evaluated 2025-09-22.

Conditions:
Aicardi Goutieres syndrome (AGS). Also called: Encephalopathy, familial infantile, with calcification of basal ganglia and chronic cerebrospinal fluid lymphocytosis. Identifiers: Orphanet 51, MedGen C0393591, MONDO:0018866.

Allele frequency attached by ClinVar (database versions not stated): gnomAD 0.00002 and 0.00003.

Submissions (2):

Natera, Inc.
Classification: Likely pathogenic for Aicardi-Goutieres syndrome. Last evaluated: 2025-09-22. Review status: criteria provided, single submitter. Criteria: Natera Variant Classification Schema (03/2026). Collection method: clinical testing. Allele origin: germline.
Comment: The c.2T>C variant in SAMHD1 is predicted to result in start loss due to disruption of the initiator methionine. This variant is expected to result in nonsense mediated decay, truncation, or a dysfunctional protein product. This variant is rare in the general population with a frequency below the threshold expected for the associated phenotype(s). Given the available evidence, this variant is classified as Likely Pathogenic.

Women's Health and Genetics/Laboratory Corporation of America, LabCorp
Classification: Uncertain significance. Last evaluated: 2021-10-27. Review status: criteria provided, single submitter. Criteria: LabCorp Variant Classification Summary - May 2015. Collection method: clinical testing. Allele origin: germline.
Comment: Variant summary: SAMHD1 c.2T>C (p.Met1Thr) alters the initiation codon and is predicted to result either in absence of the protein or truncation of the encoded protein due to translation initiation at a downstream codon. An alternative downstream in-frame start codon (Met 115) is located in the downstream exon 3 the encoded protein. Two of two in-silico tools predict a damaging effect of the variant on protein function. The variant was absent in 249654 control chromosomes. The available data on variant occurrences in the general population are insufficient to allow any conclusion about variant significance. To our knowledge, no occurrence of c.2T>C in individuals affected with Aicardi Goutieres Syndrome and no experimental evidence demonstrating its impact on protein function have been reported. No clinical diagnostic laboratories have submitted clinical-significance assessments for this variant to ClinVar after 2014. Based on the evidence outlined above, the variant was classified as uncertain significance.

NM_015474.4(SAMHD1):c.2T>C (p.Met1Thr)

Gene: SAMHD1 (SAM and HD domain containing deoxynucleoside triphosphate triphosphohydrolase 1; minus strand). Cytogenetic location: 20q11.23.
Variant type: single nucleotide variant.
Coding change: c.2T>C on transcript NM_015474.4 (MANE Select); coding-DNA position 2, T replaced by C.
Protein change: p.Met1Thr; changes the start codon (methionine 1).
Molecular consequence: missense variant, initiator codon variant.
Genome position (GRCh38, 1-based): chr20:36,951,642, A>G on the plus strand (T>C on the coding strand, the complement: SAMHD1 is on the minus strand). VCF-style: chr20-36951642-A-G. GRCh37 (hg19) VCF-style: chr20-35580045-A-G.
Other names: c.2T>C, p.Met1Thr (NM_001363729.2, NM_001363733.2); short protein forms M1T.
Identifiers: ClinVar variation 1321431 (VCV001321431.3), dbSNP rs923362391, ClinGen allele CA408833965.
Genomic context (GRCh38, chr20:36,951,642, plus strand): 5'-GTTCTCGGGCTGTCATCGCAACGGGGACGCTTGGAGGGCTGCTCGGAATCGGCTCGCTGC[A>G]TGGCTACACCTGGCGTCCGGCACAGCAGTCAAGAACCTCGGCGCCGGACCCGCGCGCAGG-3'
Protein context (NP_056289.2, residues 1-11): [Met1Thr]QRADSEQPSK